The following is an entry in ClinVar:

ClinVar aggregate classification (germline): Pathogenic. Review status: criteria provided, multiple submitters, no conflicts (2 of 4 stars). 2 submissions from 2 submitters: Pathogenic (2). Last evaluated 2025-03-14.

Conditions:
MMAB-related disorder. Also called: MMAB-related condition.
Methylmalonic aciduria, cblB type (MACB). Also called: Methylmalonic acidemia cblB type; METHYLMALONIC ACIDURIA, VITAMIN B12-RESPONSIVE, DUE TO DEFECT IN SYNTHESIS OF ADENOSYLCOBALAMIN, cblB TYPE; Vitamin B12-responsive methylmalonic acidemia type cblB. Identifiers: Orphanet 28, Orphanet 79311, MedGen C1855102, MONDO:0009614, OMIM 251110.

Allele frequency attached by ClinVar (database versions not stated): TOPMed below 0.00001; ExAC 0.00001; gnomAD 0.00001.

Submissions (2):

PreventionGenetics, part of Exact Sciences
Classification: Pathogenic for MMAB-related condition. Last evaluated: 2025-03-14. Review status: criteria provided, single submitter. Criteria: ACMG Guidelines, 2015. Collection method: clinical testing. Allele origin: germline.
Comment: The MMAB c.523G>T variant is predicted to result in premature protein termination (p.Gly175*). To our knowledge, this variant has not been reported in the literature. This variant is reported in 0.00088% of alleles in individuals of European (Non-Finnish) descent in gnomAD. Nonsense variants in MMAB are expected to be pathogenic. This variant is interpreted as pathogenic.

Labcorp Genetics (formerly Invitae), Labcorp
Classification: Pathogenic for Methylmalonic aciduria, cblB type. Last evaluated: 2021-01-21. Review status: criteria provided, single submitter. Criteria: Invitae Variant Classification Sherloc (09022015). Collection method: clinical testing. Allele origin: germline.
Comment: This sequence change creates a premature translational stop signal (p.Gly175*) in the MMAB gene. It is expected to result in an absent or disrupted protein product. Loss-of-function variants in MMAB are known to be pathogenic (PMID: 15781192, 16410054). This variant is present in population databases (rs758790126, ExAC 0.002%). This variant has not been reported in the literature in individuals with MMAB-related conditions. Algorithms developed to predict the effect of sequence changes on RNA splicing suggest that this variant may create or strengthen a splice site, but this prediction has not been confirmed by published transcriptional studies. For these reasons, this variant has been classified as Pathogenic.

Literature cited by the submitters: PubMed 15781192 (cited by Labcorp Genetics (formerly Invitae), Labcorp); PubMed 16410054 (cited by Labcorp Genetics (formerly Invitae), Labcorp).

NM_052845.4(MMAB):c.523G>T (p.Gly175Ter)

Gene: MMAB (metabolism of cobalamin associated B; minus strand). Cytogenetic location: 12q24.11.
Variant type: single nucleotide variant.
Coding change: c.523G>T on transcript NM_052845.4 (MANE Select); coding-DNA position 523, G replaced by T.
Protein change: p.Gly175Ter; replaces glycine 175 with a stop codon.
Molecular consequence: nonsense. On other transcripts: non-coding transcript variant (1).
Genome position (GRCh38, 1-based): chr12:109,561,101, C>A on the plus strand (G>T on the coding strand, the complement: MMAB is on the minus strand). VCF-style: chr12-109561101-C-A. GRCh37 (hg19) VCF-style: chr12-109998906-C-A.
Other names: c.523G>T (NM_052845.3); short protein forms G175*.
Identifiers: ClinVar variation 1451421 (VCV001451421.7), dbSNP rs758790126, ClinGen allele CA6778840.